The following is an entry in ClinVar:

ClinVar aggregate classification (germline): Uncertain significance. Review status: criteria provided, multiple submitters, no conflicts (2 of 4 stars). 2 submissions from 2 submitters: Uncertain significance (2). Last evaluated 2024-09-09.

Conditions:
Intellectual developmental disorder, X-linked, syndromic, Hedera type. Also called: Syndromic X-linked intellectual disability Hedera type. Identifiers: Orphanet 93952, MedGen C1845543, MONDO:0010319, OMIM 300423.
Inborn genetic diseases. Identifiers: MedGen C0950123, MeSH D030342.

Allele frequency attached by ClinVar (database versions not stated): gnomAD exomes below 0.00001.
gnomAD v4.1: 1 of 1,211,079 alleles (0.000083%); highest among the groups gnomAD compares: Non-Finnish European, 0.00011%; no homozygotes.

Submissions (2):

Ambry Genetics
Classification: Uncertain significance for Inborn genetic diseases. Last evaluated: 2024-09-09. Review status: criteria provided, single submitter. Criteria: Ambry Variant Classification Scheme 2023. Collection method: clinical testing. Allele origin: germline.

Labcorp Genetics (formerly Invitae), Labcorp
Classification: Uncertain significance for Intellectual developmental disorder, X-linked, syndromic, Hedera type. Last evaluated: 2021-03-03. Review status: criteria provided, single submitter. Criteria: Invitae Variant Classification Sherloc (09022015). Collection method: clinical testing. Allele origin: germline.
Comment: In summary, the available evidence is currently insufficient to determine the role of this variant in disease. Therefore, it has been classified as a Variant of Uncertain Significance. Algorithms developed to predict the effect of missense changes on protein structure and function (SIFT, PolyPhen-2, Align-GVGD) all suggest that this variant is likely to be tolerated, but these predictions have not been confirmed by published functional studies and their clinical significance is uncertain. This variant has not been reported in the literature in individuals with ATP6AP2-related conditions. This variant is not present in population databases (ExAC no frequency). This sequence change replaces aspartic acid with asparagine at codon 242 of the ATP6AP2 protein (p.Asp242Asn). The aspartic acid residue is moderately conserved and there is a small physicochemical difference between aspartic acid and asparagine.

NM_005765.3(ATP6AP2):c.724G>A (p.Asp242Asn)

Gene: ATP6AP2 (ATPase H+ transporting accessory protein 2; plus strand). Cytogenetic location: Xp11.4.
Variant type: single nucleotide variant.
Coding change: c.724G>A on transcript NM_005765.3 (MANE Select); coding-DNA position 724, G replaced by A.
Protein change: p.Asp242Asn; replaces aspartic acid 242 with asparagine.
Molecular consequence: missense variant.
Genome position (GRCh38, 1-based): chrX:40,599,727, G>A. VCF-style: chrX-40599727-G-A. GRCh37 (hg19) VCF-style: chrX-40458979-G-A.
Other names: c.724G>A (NM_005765.2); short protein forms D242N.
Identifiers: ClinVar variation 1416589 (VCV001416589.9), dbSNP rs2146543666, ClinGen allele CA412757169.